The following is an entry in ClinVar:

NM_001385012.1(NBEA):c.8618A>G (p.Asn2873Ser)

Gene: NBEA (neurobeachin; plus strand). Cytogenetic location: 13q13.3.
Variant type: single nucleotide variant.
Coding change: c.8618A>G on transcript NM_001385012.1 (MANE Select); coding-DNA position 8618, A replaced by G.
Protein change: p.Asn2873Ser; replaces asparagine 2873 with serine.
Molecular consequence: missense variant.
Genome position (GRCh38, 1-based): chr13:35,667,527, A>G. VCF-style: chr13-35667527-A-G. GRCh37 (hg19) VCF-style: chr13-36241664-A-G.
Other names: c.1934A>G, p.Asn645Ser (NM_001204197.3); c.8609A>G, p.Asn2870Ser (NM_001379245.1); c.8555A>G, p.Asn2852Ser (NM_015678.5); short protein forms N2852S, N2870S, N2873S, N645S.
Identifiers: ClinVar variation 5037180 (VCV005037180.1).

ClinVar aggregate classification (germline): Uncertain significance (1 of 4 stars; one submission).

Submission:

GeneDx
Classification: Uncertain significance. Last evaluated: 2026-04-14. Review status: criteria provided, single submitter. Criteria: GeneDx Variant Classification Process June 2021. Collection method: clinical testing. Allele origin: germline.
Comment: Not observed at significant frequency in large population cohorts (gnomAD); In silico analysis supports that this missense variant has a deleterious effect on protein structure/function; Has not been previously published as pathogenic or benign to our knowledge